The following is an entry in ClinVar:

ClinVar aggregate classification (germline): Uncertain significance (1 of 4 stars; one submission).

Conditions:
MHC class II deficiency. Also called: BLS, TYPE II; Bare lymphocyte syndrome 2. Identifiers: Orphanet 572, MedGen C5447452, MONDO:0008855.

Allele frequency attached by ClinVar (database versions not stated): gnomAD 0.00001.
gnomAD v4.1: 1 of 1,613,978 alleles (0.000062%); highest among the groups gnomAD compares: East Asian, 0.0022%; no homozygotes.

Submission:

Labcorp Genetics (formerly Invitae), Labcorp
Classification: Uncertain significance for MHC class II deficiency. Last evaluated: 2022-06-20. Review status: criteria provided, single submitter. Criteria: Invitae Variant Classification Sherloc (09022015). Collection method: clinical testing. Allele origin: germline.
Comment: This sequence change replaces tryptophan, which is neutral and slightly polar, with arginine, which is basic and polar, at codon 896 of the CIITA protein (p.Trp896Arg). This variant is present in population databases (no rsID available, gnomAD 0.06%). This variant has not been reported in the literature in individuals affected with CIITA-related conditions. Algorithms developed to predict the effect of missense changes on protein structure and function (SIFT, PolyPhen-2, Align-GVGD) all suggest that this variant is likely to be disruptive. In summary, the available evidence is currently insufficient to determine the role of this variant in disease. Therefore, it has been classified as a Variant of Uncertain Significance.

NM_000246.4(CIITA):c.2686T>C (p.Trp896Arg)

Gene: CIITA (class II major histocompatibility complex transactivator; plus strand). Cytogenetic location: 16p13.13.
Variant type: single nucleotide variant.
Coding change: c.2686T>C on transcript NM_000246.4 (MANE Select); coding-DNA position 2686, T replaced by C.
Protein change: p.Trp896Arg; replaces tryptophan 896 with arginine.
Molecular consequence: missense variant.
Genome position (GRCh38, 1-based): chr16:10,909,057, T>C. VCF-style: chr16-10909057-T-C. GRCh37 (hg19) VCF-style: chr16-11002914-T-C.
Other names: c.2689T>C, p.Trp897Arg (NM_001286402.1, NM_001379332.1); c.934T>C, p.Trp312Arg (NM_001286403.2); c.2542T>C, p.Trp848Arg (NM_001379330.1); c.2539T>C, p.Trp847Arg (NM_001379331.1); c.2686T>C, p.Trp896Arg (NM_001379333.1); c.2617T>C, p.Trp873Arg (NM_001379334.1); short protein forms W848R, W312R, W873R, W896R, W847R, W897R.
Identifiers: ClinVar variation 1381595 (VCV001381595.3), dbSNP rs1379463795, ClinGen allele CA394734742.